The following is an entry in ClinVar:

NM_001277115.2(DNAH11):c.13054A>T (p.Asn4352Tyr)

Genes: DNAH11 (dynein axonemal heavy chain 11; plus strand), LOC126859962 (BRD4-independent group 4 enhancer GRCh37_chr7:21937780-21938979; plus strand). Cytogenetic location: 7p15.3.
Variant type: single nucleotide variant.
Coding change: c.13054A>T on transcript NM_001277115.2 (MANE Select); coding-DNA position 13054, A replaced by T.
Protein change: p.Asn4352Tyr; replaces asparagine 4352 with tyrosine.
Molecular consequence: missense variant.
Genome position (GRCh38, 1-based): chr7:21,899,340, A>T. VCF-style: chr7-21899340-A-T. GRCh37 (hg19) VCF-style: chr7-21938958-A-T.
Other names: c.13075A>T, p.Asn4359Tyr (NM_003777.3); short protein forms N4352Y, N4359Y.
Identifiers: ClinVar variation 2440905 (VCV002440905.8), dbSNP rs144401534, ClinGen allele CA4183278.

ClinVar aggregate classification (germline): Conflicting classifications of pathogenicity. Review status: criteria provided, conflicting classifications (1 of 4 stars). 3 submissions from 3 submitters: Uncertain significance (2); Benign (1). Last evaluated 2025-03-25.

Conditions:
Primary ciliary dyskinesia. Also called: Ciliary dyskinesia. Identifiers: Orphanet 244, MedGen C0008780, MONDO:0016575, HP:0012265.
Primary ciliary dyskinesia 7. Also called: CILIARY DYSKINESIA, PRIMARY, 7, WITH OR WITHOUT SITUS INVERSUS. Identifiers: Orphanet 244, MedGen C2678473, MONDO:0012748, OMIM 611884.

Allele frequency attached by ClinVar (database versions not stated): gnomAD 0.00001; ExAC 0.00002; gnomAD exomes 0.00002; TOPMed 0.00002; 1000 Genomes Project 0.00020; 1000 Genomes Project 30x 0.00031.
gnomAD v4.1: 11 of 1,613,882 alleles (0.00068%); highest among the groups gnomAD compares: Admixed American, 0.018%; 1 homozygote.

Submissions (3):

Labcorp Genetics (formerly Invitae), Labcorp
Classification: Benign for Primary ciliary dyskinesia. Last evaluated: 2025-03-25. Review status: criteria provided, single submitter. Criteria: Invitae Variant Classification Sherloc (09022015). Collection method: clinical testing. Allele origin: germline.

Ambry Genetics
Classification: Uncertain significance for Primary ciliary dyskinesia. Last evaluated: 2022-12-17. Review status: criteria provided, single submitter. Criteria: Ambry Variant Classification Scheme 2023. Collection method: clinical testing. Allele origin: germline.
Comment: The p.N4352Y variant (also known as c.13054A>T), located in coding exon 80 of the DNAH11 gene, results from an A to T substitution at nucleotide position 13054. The asparagine at codon 4352 is replaced by tyrosine, an amino acid with dissimilar properties. This amino acid position is conserved. In addition, this alteration is predicted to be tolerated by in silico analysis. Since supporting evidence is limited at this time, the clinical significance of this alteration remains unclear.

Revvity Omics, Revvity
Classification: Uncertain significance for Primary ciliary dyskinesia 7. Last evaluated: 2020-08-28. Review status: criteria provided, single submitter. Criteria: ACMG Guidelines, 2015. Collection method: clinical testing. Allele origin: germline.